The following is an entry in ClinVar:

NM_001040108.2(MLH3):c.3115A>T (p.Thr1039Ser)

Gene: MLH3 (mutL homolog 3; minus strand). Cytogenetic location: 14q24.3.
Variant type: single nucleotide variant.
Coding change: c.3115A>T on transcript NM_001040108.2 (MANE Select); coding-DNA position 3115, A replaced by T.
Protein change: p.Thr1039Ser; replaces threonine 1039 with serine.
Molecular consequence: missense variant.
Genome position (GRCh38, 1-based): chr14:75,046,541, T>A on the plus strand (A>T on the coding strand, the complement: MLH3 is on the minus strand). VCF-style: chr14-75046541-T-A. GRCh37 (hg19) VCF-style: chr14-75513244-T-A.
Other names: c.3115A>T, p.Thr1039Ser (NM_014381.3); short protein forms T1039S.
Identifiers: ClinVar variation 3396697 (VCV003396697.1).

ClinVar aggregate classification (germline): Uncertain significance (1 of 4 stars; one submission).

Submission:

Ambry Genetics
Classification: Uncertain significance. Last evaluated: 2024-08-25. Review status: criteria provided, single submitter. Criteria: Ambry Variant Classification Scheme 2023. Collection method: clinical testing. Allele origin: germline.
Comment: The p.T1039S variant (also known as c.3115A>T), located in coding exon 1 of the MLH3 gene, results from an A to T substitution at nucleotide position 3115. The threonine at codon 1039 is replaced by serine, an amino acid with similar properties. This amino acid position is conserved. In addition, this alteration is predicted to be tolerated by in silico analysis. Based on the available evidence, the clinical significance of this variant remains unclear.